The following is an entry in ClinVar:

ClinVar aggregate classification (germline): Conflicting classifications of pathogenicity. Review status: criteria provided, conflicting classifications (1 of 4 stars). 2 submissions from 2 submitters: Uncertain significance (1); Likely benign (1). Last evaluated 2025-12-06.

Conditions:
Inborn genetic diseases. Identifiers: MedGen C0950123, MeSH D030342.

Allele frequency attached by ClinVar (database versions not stated): gnomAD exomes 0.00002; gnomAD 0.00003; TOPMed 0.00005; ESP Exome Variant Server 0.00009; ExAC 0.00012.
gnomAD v4.1: 31 of 1,199,192 alleles (0.0026%); highest among the groups gnomAD compares: Admixed American, 0.0089%; no homozygotes.

Submissions (2):

Labcorp Genetics (formerly Invitae), Labcorp
Classification: Uncertain significance. Last evaluated: 2025-12-06. Review status: criteria provided, single submitter. Criteria: Invitae Variant Classification Sherloc (09022015). Collection method: clinical testing. Allele origin: germline.
Comment: This sequence change replaces leucine, which is neutral and non-polar, with proline, which is neutral and non-polar, at codon 258 of the RBM10 protein (p.Leu258Pro). This variant is present in population databases (rs140296609, gnomAD 0.008%), including at least one homozygous and/or hemizygous individual. This variant has not been reported in the literature in individuals affected with RBM10-related conditions. ClinVar contains an entry for this variant (Variation ID: 2286950). An algorithm developed to predict the effect of missense changes on protein structure and function (PolyPhen-2) suggests that this variant is likely to be disruptive. In summary, the available evidence is currently insufficient to determine the role of this variant in disease. Therefore, it has been classified as a Variant of Uncertain Significance.

Ambry Genetics
Classification: Likely benign for Inborn genetic diseases. Last evaluated: 2022-05-01. Review status: criteria provided, single submitter. Criteria: Ambry Variant Classification Scheme 2023. Collection method: clinical testing. Allele origin: germline.

NM_005676.5(RBM10):c.773T>C (p.Leu258Pro)

Genes: RBM10 (RNA binding motif protein 10; plus strand), LOC126863252 (CDK7 strongly-dependent group 2 enhancer GRCh37_chrX:47037923-47039122; plus strand). Cytogenetic location: Xp11.3.
Variant type: single nucleotide variant.
Coding change: c.773T>C on transcript NM_005676.5 (MANE Select); coding-DNA position 773, T replaced by C.
Protein change: p.Leu258Pro; replaces leucine 258 with proline.
Molecular consequence: missense variant.
Genome position (GRCh38, 1-based): chrX:47,179,367, T>C. VCF-style: chrX-47179367-T-C. GRCh37 (hg19) VCF-style: chrX-47038766-T-C.
Other names: c.542T>C, p.Leu181Pro (NM_001204466.2, NM_152856.3); c.773T>C, p.Leu258Pro (NM_001204467.2); c.968T>C, p.Leu323Pro (NM_001204468.2); c.773T>C (NM_005676.4); short protein forms L181P, L258P, L323P.
Identifiers: ClinVar variation 2286950 (VCV002286950.9), dbSNP rs140296609, ClinGen allele CA10395192.